The following is an entry in ClinVar:

ClinVar aggregate classification (germline): Likely pathogenic (1 of 4 stars; one submission).

Conditions:
ATP2B2-related disorder. Also called: ATP2B2-related condition.

Submission:

PreventionGenetics, part of Exact Sciences
Classification: Likely pathogenic for ATP2B2-related condition. Last evaluated: 2025-10-02. Review status: criteria provided, single submitter. Criteria: ACMG Guidelines, 2015. Collection method: clinical testing. Allele origin: germline.
Comment: The ATP2B2 c.3063G>A variant is predicted to result in premature protein termination (p.Trp1021*). To our knowledge, this variant has not been reported in the literature or in a large population database (gnomAD), indicating this variant is rare. Nonsense variants in ATP2B2 are expected to be pathogenic. This variant is interpreted as likely pathogenic.

NM_001001331.4(ATP2B2):c.3198G>A (p.Trp1066Ter)

Gene: ATP2B2 (ATPase plasma membrane Ca2+ transporting 2; minus strand). Cytogenetic location: 3p25.3.
Variant type: single nucleotide variant.
Coding change: c.3198G>A on transcript NM_001001331.4 (MANE Select); coding-DNA position 3198, G replaced by A.
Protein change: p.Trp1066Ter; replaces tryptophan 1066 with a stop codon.
Molecular consequence: nonsense.
Genome position (GRCh38, 1-based): chr3:10,340,281, C>T on the plus strand (G>A on the coding strand, the complement: ATP2B2 is on the minus strand). VCF-style: chr3-10340281-C-T. GRCh37 (hg19) VCF-style: chr3-10381965-C-T.
Other names: c.3063G>A, p.Trp1021Ter (NM_001330611.3, NM_001353564.1, NM_001363862.1 and 2 more transcripts); c.3105G>A, p.Trp1035Ter (NM_001438646.1); short protein forms W1021*, W1066*, W1035*.
Identifiers: ClinVar variation 4978432 (VCV004978432.1).